The following is an entry in ClinVar:

NM_000256.3(MYBPC3):c.2217G>A (p.Glu739=)

Gene: MYBPC3 (myosin binding protein C3; minus strand). Cytogenetic location: 11p11.2.
Variant type: single nucleotide variant.
Coding change: c.2217G>A on transcript NM_000256.3 (MANE Select); coding-DNA position 2217, G replaced by A.
Protein change: p.Glu739=; no amino-acid change (glutamic acid 739 retained).
Molecular consequence: synonymous variant.
Genome position (GRCh38, 1-based): chr11:47,338,611, C>T on the plus strand (G>A on the coding strand, the complement: MYBPC3 is on the minus strand). VCF-style: chr11-47338611-C-T. GRCh37 (hg19) VCF-style: chr11-47360162-C-T.
Other names: c.2217G>A, p.Glu739= (LRG_386t1).
Identifiers: ClinVar variation 407331 (VCV000407331.10), dbSNP rs786204348, ClinGen allele CA16613616.
Genomic context (GRCh38, chr11:47,338,611, plus strand): 5'-CTCGCCCACAGGGTTCTTCACTGTGACCGTGTAGACGCCCTCATCTTCCTTCTCTGCCCC[C>T]TCGACCGTGAAGATGCTGCGGTCCTTGGTGGTCTCCACGCGGACCCGGCCCTCGGTCTCA-3'
Protein context (NP_000247.2, residues 729-749): TTKDRSIFTV[Glu739=]GAEKEDEGVY

ClinVar aggregate classification (germline): Conflicting classifications of pathogenicity. Review status: criteria provided, conflicting classifications (1 of 4 stars). 3 submissions from 3 submitters: Uncertain significance (1); Likely benign (2). Last evaluated 2025-12-21.

Conditions:
Cardiovascular phenotype. Identifiers: MedGen CN230736.
Hypertrophic cardiomyopathy. Also called: HYPERTROPHIC MYOCARDIOPATHY. Identifiers: Orphanet 217569, MedGen C0007194, MeSH D002312, MONDO:0005045, HP:0001639.
Left ventricular noncompaction. Identifiers: Orphanet 54260, MedGen C1960469, MONDO:0018901, HP:0030682.

Submissions (3):

Ambry Genetics
Classification: Likely benign for Cardiovascular phenotype. Last evaluated: 2025-12-21. Review status: criteria provided, single submitter. Criteria: Ambry Variant Classification Scheme 2023. Collection method: clinical testing. Allele origin: germline.

Labcorp Genetics (formerly Invitae), Labcorp
Classification: Likely benign for Hypertrophic cardiomyopathy. Last evaluated: 2024-12-17. Review status: criteria provided, single submitter. Criteria: Invitae Variant Classification Sherloc (09022015). Collection method: clinical testing. Allele origin: germline.

Petrovsky National Research Centre of Surgery, The Federal Agency for Scientific Organizations
Classification: Uncertain significance for Hypertrophic cardiomyopathy; Left ventricular noncompaction. Last evaluated: 2020-10-15. Review status: criteria provided, single submitter. Criteria: ACMG Guidelines, 2015. Collection method: clinical testing. Allele origin: unknown. Inheritance: Autosomal dominant inheritance. Affected: yes. Observed: 1 heterozygote.
Comment: Both genetic variants were in a heterozygous state. The p.E739K genetic variant was classified as probably pathogenic by various online resources. However, in the absence of family screening results and functional studies, the genetic variant p.E739K could be classified as the variant of unknown clinical significance only.